The following is an entry in ClinVar:

NM_000092.5(COL4A4):c.2320G>C (p.Gly774Arg)

Gene: COL4A4 (collagen type IV alpha 4 chain; minus strand). Cytogenetic location: 2q36.3.
Variant type: single nucleotide variant.
Coding change: c.2320G>C on transcript NM_000092.5 (MANE Select); coding-DNA position 2320, G replaced by C.
Protein change: p.Gly774Arg; replaces glycine 774 with arginine.
Molecular consequence: missense variant.
Genome position (GRCh38, 1-based): chr2:227,059,468, C>G on the plus strand (G>C on the coding strand, the complement: COL4A4 is on the minus strand). VCF-style: chr2-227059468-C-G. GRCh37 (hg19) VCF-style: chr2-227924184-C-G.
Other names: p.Gly774Arg; short protein forms G774R.
Identifiers: ClinVar variation 242442 (VCV000242442.46), dbSNP rs569681869, ClinGen allele CA067692.

ClinVar aggregate classification (germline): Conflicting classifications of pathogenicity. Review status: criteria provided, conflicting classifications (1 of 4 stars). 22 submissions from 22 submitters: Pathogenic (11); Likely pathogenic (8); Uncertain significance (1). 2 of the submissions do not count toward it. Last evaluated 2026-04-02.

Conditions:
Hypertensive disorder. Also called: Hypertension. Identifiers: MedGen C0020538, MONDO:0005044, HP:0000822.
Myopia. Also called: Myopia (disease). Identifiers: MedGen C0027092, MONDO:0001384, HP:0000545.
Hematuria. Identifiers: MedGen C0018965, HP:0000790.
Proteinuria. Identifiers: MedGen C0033687, MONDO:0003634, HP:0000093.
Hearing impairment. Also called: Impaired Hearing. Identifiers: MedGen C1384666, MONDO:0005365, HP:0000365.
Hematuria, benign familial, 1 (BFH1). Also called: THIN MEMBRANE NEPHROPATHY. Identifiers: MedGen CN376803, MONDO:0007709, OMIM 141200.
Autosomal recessive Alport syndrome (ATS2). Also called: COL4A3-Related Nephropathy; Alport syndrome type 2; COL4A4 Alport Syndrome and Thin Basement Membrane Nephropathy; ALPORT SYNDROME 2, AUTOSOMAL RECESSIVE. Identifiers: Orphanet 63, Orphanet 88919, MedGen C4746745, MONDO:0008762, OMIM 203780.
COL4A4-related disorder.
Alport syndrome. Also called: Hemorrhagic familial nephritis; Hemorrhagic hereditary nephritis; Congenital hereditary hematuria. Identifiers: Orphanet 63, MedGen C1567741, MONDO:0018965.
Benign familial hematuria. Also called: thin basement membrane disease. Identifiers: MedGen C0241908, MONDO:0957317.

Allele frequency attached by ClinVar (database versions not stated): gnomAD 0.00003 and 0.00004; TOPMed 0.00003; gnomAD exomes 0.00007; ExAC 0.00009.
gnomAD v4.1: 68 of 1,613,980 alleles (0.0042%); highest among the groups gnomAD compares: South Asian, 0.045%; 1 homozygote.

Submissions 1 to 11 of 22:

Genetics Laboratory, Great Ormond Street Hospital NHS Foundation Trust, North Thames Genomic Laboratory Hub
Classification: Likely pathogenic for Haematuria. Last evaluated: 2026-04-02. Review status: criteria provided, single submitter. Criteria: ACGS Best Practice Guidelines for Variant Classification in Rare Disease 2024 v1.2. Collection method: clinical testing. Allele origin: germline. Affected: yes.
Comment: PS4_supporting, PP3_supporting, PM1_strong

Labcorp Genetics (formerly Invitae), Labcorp
Classification: Pathogenic. Last evaluated: 2025-12-01. Review status: criteria provided, single submitter. Criteria: Invitae Variant Classification Sherloc (09022015). Collection method: clinical testing. Allele origin: germline.
Comment: This sequence change replaces glycine, which is neutral and non-polar, with arginine, which is basic and polar, at codon 774 of the COL4A4 protein (p.Gly774Arg). This variant is present in population databases (rs569681869, gnomAD 0.04%). This missense change has been observed in individual(s) with clinical features of autosomal dominant Alport syndrome, autosomal recessive Alport syndrome, and basement membrane disease (PMID: 17396119, 26934356, 28632965, 33532864, 34584596). It has also been observed to segregate with disease in related individuals. ClinVar contains an entry for this variant (Variation ID: 242442). Invitae Evidence Modeling of protein sequence and biophysical properties (such as structural, functional, and spatial information, amino acid conservation, physicochemical variation, residue mobility, and thermodynamic stability) indicates that this missense variant is expected to disrupt COL4A4 protein function with a positive predictive value of 95%. For these reasons, this variant has been classified as Pathogenic.

Dasa
Classification: Pathogenic. Last evaluated: 2025-11-09. Review status: criteria provided, single submitter. Criteria: DASA Assertion Criteria. Collection method: clinical testing. Allele origin: germline.
Comment: NM_000092.5(COL4A4):c.2320G>C (p.Gly774Arg) is a missense variant that results in the substitution of glycine with arginine. Segregation evidence has been reported in affected families. This variant has been recurrently observed in individuals with related phenotype (PMID: 34584596; PMID: 28632965). Multiple computational predictions support a deleterious effect on the gene or gene product. The variant is present at low frequency in population datasets. Based on the available data, this variant is classified as pathogenic.

Natera, Inc.
Classification: Pathogenic for Alport syndrome. Last evaluated: 2025-09-02. Review status: criteria provided, single submitter. Criteria: Natera Variant Classification Schema (03/2026). Collection method: clinical testing. Allele origin: germline.
Comment: The c.2320G>C variant in COL4A4 is a missense variant predicted to cause substitution of glycine to arginine at amino acid 774. This variant is rare in the general population with a frequency below the threshold expected for the associated phenotype(s). This variant has been observed in one or more individuals affected with the associated recessive disease, as either homozygous or compound heterozygous with a second variant (PMID: 26934356, 29801666, 36349757, 39443691). Additionally, this variant has been observed to segregate in affected family members (PMID: 26934356). This variant is located in a functionally critical region of the protein. Computational prediction algorithms indicate this variant is likely to affect gene or protein function. Given the available evidence, this variant is classified as Pathogenic.

CeGaT Center for Human Genetics Tuebingen
Classification: Pathogenic. Last evaluated: 2025-06-01. Review status: criteria provided, single submitter. Criteria: CeGaT Center For Human Genetics Tuebingen Variant Classification Criteria Version 2. Collection method: clinical testing. Allele origin: germline. Affected: yes. Observed: 1 variant allele.
Comment: COL4A4: PP1:Strong, PM1, PM2, PS4:Moderate, PP3

Revvity Omics, Revvity
Classification: Pathogenic. Last evaluated: 2025-05-07. Review status: criteria provided, single submitter. Criteria: ACMG Guidelines, 2015. Collection method: clinical testing. Allele origin: germline.

Blueprint Genetics
Classification: Likely pathogenic for COL4A4-related disorders. Last evaluated: 2024-11-26. Review status: criteria provided, single submitter. Criteria: ACMG Guidelines, 2015. Collection method: clinical testing. Allele origin: germline. Affected: yes. Observed: 5 variant alleles.

Women's Health and Genetics/Laboratory Corporation of America, LabCorp
Classification: Pathogenic for Autosomal recessive Alport syndrome. Last evaluated: 2024-10-10. Review status: criteria provided, single submitter. Criteria: LabCorp Variant Classification Summary - May 2015. Collection method: clinical testing. Allele origin: germline.
Comment: Variant summary: COL4A4 c.2320G>C (p.Gly774Arg) results in a non-conservative amino acid change in the encoded protein sequence. Five of five in-silico tools predict a damaging effect of the variant on protein function. The variant allele was found at a frequency of 7.2e-05 in 249564 control chromosomes, predominantly at a frequency of 0.00042 within the South Asian subpopulation in the gnomAD database. This frequency is not significantly higher than estimated for a pathogenic variant in COL4A4 causing Alport Syndrome, Autosomal Recessive (7.2e-05 vs 0.0011), allowing no conclusion about variant significance. c.2320G>C has been reported in the literature in multiple individuals affected with AD and AR Alport Syndrome (examples, Domingo-Gallego_2021, Kovacs_2016, Slajpah_2007). These data indicate that the variant is very likely to be associated with disease. To our knowledge, no experimental evidence demonstrating an impact on protein function has been reported. The following publications have been ascertained in the context of this evaluation (PMID: 33532864, 26934356, 17396119). ClinVar contains an entry for this variant (Variation ID: 242442). Based on the evidence outlined above, the variant was classified as pathogenic.

Department of Human Genetics, Hannover Medical School
Classification: Pathogenic for Autosomal recessive Alport syndrome. Last evaluated: 2024-07-25. Review status: criteria provided, single submitter. Criteria: ACMG Guidelines, 2015. Collection method: clinical testing. Allele origin: germline. Affected: yes.

3billion
Classification: Pathogenic for Autosomal recessive Alport syndrome. Last evaluated: 2023-09-20. Review status: criteria provided, single submitter. Criteria: ACMG Guidelines, 2015. Collection method: clinical testing. Allele origin: germline. Affected: yes.
Comment: The variant is observed at an extremely low frequency in the gnomAD v2.1.1 dataset (total allele frequency: 0.007%). Predicted Consequence/Location: Missense variant In silico tool predictions suggest damaging effect of the variant on gene or gene product [REVEL: 0.96 (>=0.6, sensitivity 0.68 and specificity 0.92); 3Cnet: 0.85 (>=0.6, sensitivity 0.72 and precision 0.9)]. Same nucleotide change resulting in same amino acid change has been previously reported as pathogenic/likely pathogenic with strong evidence (ClinVar ID: VCV000242442 /PMID: 17396119).The variant has been reported to be in trans with a pathogenic variant as either compound heterozygous or homozygous in at least one similarly affected unrelated individual (PMID: 28632965).The variant has been reported to co-segregate with the disease in at least 5 similarly affected relatives/individuals in the same family or similarly affected unrelated family (PMID: 28632965). Therefore, this variant is classified as Pathogenic according to the recommendation of ACMG/AMP guideline.

GeneDx
Classification: Uncertain significance. Last evaluated: 2023-03-30. Review status: criteria provided, single submitter. Criteria: GeneDx Variant Classification Process June 2021. Collection method: clinical testing. Allele origin: germline. Affected: yes.
Comment: Reported with second variant on the opposite allele (in trans) in a two siblings with hematuria and thin basement membrane disease in published literature (Kovacs et al., 2016); Affects a glycine residue in a Gly-X-Y motif in the triple helical region of the COL4A4 gene; In silico analysis supports that this missense variant has a deleterious effect on protein structure/function; This variant is associated with the following publications: (PMID: 31589614, 33532864, 28632965, 24854265, 34400539, 34584596, 17396119, 26934356)